The following is an entry in ClinVar:

ClinVar aggregate classification (germline): Uncertain significance (1 of 4 stars; one submission).

Allele frequency attached by ClinVar (database versions not stated): TOPMed 0.00002.
gnomAD v4.1: 14 of 1,613,740 alleles (0.00087%); highest among the groups gnomAD compares: Non-Finnish European, 0.0011%; no homozygotes.

Submission:

Labcorp Genetics (formerly Invitae), Labcorp
Classification: Uncertain significance. Last evaluated: 2022-03-04. Review status: criteria provided, single submitter. Criteria: Invitae Variant Classification Sherloc (09022015). Collection method: clinical testing. Allele origin: germline.
Comment: This sequence change replaces proline, which is neutral and non-polar, with leucine, which is neutral and non-polar, at codon 28 of the TMPRSS3 protein (p.Pro28Leu). This variant is present in population databases (rs137882698, gnomAD 0.003%). This variant has not been reported in the literature in individuals affected with TMPRSS3-related conditions. Advanced modeling of protein sequence and biophysical properties (such as structural, functional, and spatial information, amino acid conservation, physicochemical variation, residue mobility, and thermodynamic stability) performed at Invitae indicates that this missense variant is not expected to disrupt TMPRSS3 protein function. In summary, the available evidence is currently insufficient to determine the role of this variant in disease. Therefore, it has been classified as a Variant of Uncertain Significance.

NM_001256317.3(TMPRSS3):c.83C>T (p.Pro28Leu)

Genes: TMPRSS3 (transmembrane serine protease 3; minus strand), LOC126653388 (BRD4-independent group 4 enhancer GRCh37_chr21:43814254-43815453; plus strand). Cytogenetic location: 21q22.3.
Variant type: single nucleotide variant.
Coding change: c.83C>T on transcript NM_001256317.3 (MANE Select); coding-DNA position 83, C replaced by T.
Protein change: p.Pro28Leu; replaces proline 28 with leucine.
Molecular consequence: missense variant.
Genome position (GRCh38, 1-based): chr21:42,395,335, G>A on the plus strand (C>T on the coding strand, the complement: TMPRSS3 is on the minus strand). VCF-style: chr21-42395335-G-A. GRCh37 (hg19) VCF-style: chr21-43815444-G-A.
Other names: c.83C>T, p.Pro28Leu (NM_024022.4, NM_032405.2); short protein forms P28L.
Identifiers: ClinVar variation 1954502 (VCV001954502.2), dbSNP rs137882698, ClinGen allele CA10042764.